The following is an entry in ClinVar:

ClinVar aggregate classification (germline): Uncertain significance (1 of 4 stars; one submission).

Allele frequency attached by ClinVar (database versions not stated): TOPMed 0.00001; ExAC 0.00008.
gnomAD v4.1: 31 of 1,611,684 alleles (0.0019%); highest among the groups gnomAD compares: Non-Finnish European, 0.0025%; no homozygotes.

Submission:

Labcorp Genetics (formerly Invitae), Labcorp
Classification: Uncertain significance. Last evaluated: 2022-04-11. Review status: criteria provided, single submitter. Criteria: Invitae Variant Classification Sherloc (09022015). Collection method: clinical testing. Allele origin: germline.
Comment: In summary, the available evidence is currently insufficient to determine the role of this variant in disease. Therefore, it has been classified as a Variant of Uncertain Significance. Algorithms developed to predict the effect of missense changes on protein structure and function output the following: SIFT: "Tolerated"; PolyPhen-2: "Benign"; Align-GVGD: "Class C0". The serine amino acid residue is found in multiple mammalian species, which suggests that this missense change does not adversely affect protein function. This variant has not been reported in the literature in individuals affected with CARMIL2-related conditions. This variant is present in population databases (rs770150463, gnomAD 0.007%). This sequence change replaces glycine, which is neutral and non-polar, with serine, which is neutral and polar, at codon 395 of the CARMIL2 protein (p.Gly395Ser).

NM_001013838.3(CARMIL2):c.1183G>A (p.Gly395Ser)

Gene: CARMIL2 (capping protein regulator and myosin 1 linker 2; plus strand). Cytogenetic location: 16q22.1.
Variant type: single nucleotide variant.
Coding change: c.1183G>A on transcript NM_001013838.3 (MANE Select); coding-DNA position 1183, G replaced by A.
Protein change: p.Gly395Ser; replaces glycine 395 with serine.
Molecular consequence: missense variant. On other transcripts: intron variant (1).
Genome position (GRCh38, 1-based): chr16:67,648,163, G>A. VCF-style: chr16-67648163-G-A. GRCh37 (hg19) VCF-style: chr16-67682066-G-A.
Other names: c.1149+34G>A (NM_001317026.3); short protein forms G395S.
Identifiers: ClinVar variation 2184123 (VCV002184123.4), dbSNP rs770150463, ClinGen allele CA8113365.